The following is an entry in ClinVar:

NM_015426.5(POC1A):c.229G>T (p.Ala77Ser)

Gene: POC1A (POC1 centriolar protein A; minus strand). Cytogenetic location: 3p21.2.
Variant type: single nucleotide variant.
Coding change: c.229G>T on transcript NM_015426.5 (MANE Select); coding-DNA position 229, G replaced by T.
Protein change: p.Ala77Ser; replaces alanine 77 with serine.
Molecular consequence: missense variant.
Genome position (GRCh38, 1-based): chr3:52,149,862, C>A on the plus strand (G>T on the coding strand, the complement: POC1A is on the minus strand). VCF-style: chr3-52149862-C-A. GRCh37 (hg19) VCF-style: chr3-52183878-C-A.
Other names: c.229G>T, p.Ala77Ser (NM_001161580.2); c.115G>T, p.Ala39Ser (NM_001161581.2); c.229G>T (NM_015426.4); short protein forms A39S, A77S.
Identifiers: ClinVar variation 1437312 (VCV001437312.6), dbSNP rs780710275, ClinGen allele CA2429705.

ClinVar aggregate classification (germline): Uncertain significance. Review status: criteria provided, multiple submitters, no conflicts (2 of 4 stars). 2 submissions from 2 submitters: Uncertain significance (2). Last evaluated 2024-12-25.

Conditions:
Inborn genetic diseases. Identifiers: MedGen C0950123, MeSH D030342.

Allele frequency attached by ClinVar (database versions not stated): gnomAD exomes below 0.00001 and 0.00001; ExAC 0.00001; TOPMed 0.00003; gnomAD 0.00005 and 0.00006.
gnomAD v4.1: 14 of 1,613,832 alleles (0.00087%); highest among the groups gnomAD compares: African/African-American, 0.019%; no homozygotes.

Submissions (2):

Ambry Genetics
Classification: Uncertain significance for Inborn genetic diseases. Last evaluated: 2024-12-25. Review status: criteria provided, single submitter. Criteria: Ambry Variant Classification Scheme 2023. Collection method: clinical testing. Allele origin: germline.

Labcorp Genetics (formerly Invitae), Labcorp
Classification: Uncertain significance. Last evaluated: 2024-11-04. Review status: criteria provided, single submitter. Criteria: Invitae Variant Classification Sherloc (09022015). Collection method: clinical testing. Allele origin: germline.
Comment: This sequence change replaces alanine, which is neutral and non-polar, with serine, which is neutral and polar, at codon 77 of the POC1A protein (p.Ala77Ser). This variant is present in population databases (rs780710275, gnomAD 0.02%). This variant has not been reported in the literature in individuals affected with POC1A-related conditions. ClinVar contains an entry for this variant (Variation ID: 1437312). Invitae Evidence Modeling of protein sequence and biophysical properties (such as structural, functional, and spatial information, amino acid conservation, physicochemical variation, residue mobility, and thermodynamic stability) indicates that this missense variant is expected to disrupt POC1A protein function with a positive predictive value of 80%. In summary, the available evidence is currently insufficient to determine the role of this variant in disease. Therefore, it has been classified as a Variant of Uncertain Significance.